The following is an entry in ClinVar:

NM_000439.5(PCSK1):c.1401T>C (p.Cys467=)

Genes: CAST (calpastatin; plus strand), PCSK1 (proprotein convertase subtilisin/kexin type 1; minus strand), LOC101929710 (uncharacterized LOC101929710; plus strand). Cytogenetic location: 5q15.
Variant type: single nucleotide variant.
Coding change: c.1401T>C on transcript NM_000439.5 (MANE Select); coding-DNA position 1401, T replaced by C.
Protein change: p.Cys467=; no amino-acid change (cysteine 467 retained).
Molecular consequence: synonymous variant. On other transcripts: intron variant (11).
Genome position (GRCh38, 1-based): chr5:96,399,982, A>G on the plus strand (T>C on the coding strand, the complement: PCSK1 is on the minus strand). VCF-style: chr5-96399982-A-G. GRCh37 (hg19) VCF-style: chr5-95735686-A-G.
Other names: c.1260T>C, p.Cys420= (NM_001177875.2); c.-175+20330A>G (NM_001423254.1, NM_001423259.1, NM_001423255.1 and 6 more transcripts); c.-103+20330A>G (NM_001423253.1); c.-40+20330A>G (NM_001423258.1).
Identifiers: ClinVar variation 3029309 (VCV003029309.2), dbSNP rs1335777681, ClinGen allele CA445720089.

ClinVar aggregate classification (germline): Likely benign (0 of 4 stars; one submission).

Conditions:
PCSK1-related disorder. Also called: PCSK1-related condition.

Allele frequency attached by ClinVar (database versions not stated): gnomAD exomes below 0.00001; TOPMed 0.00001.
gnomAD v4.1: 3 of 1,614,076 alleles (0.00019%); highest among the groups gnomAD compares: Non-Finnish European, 0.00025%; no homozygotes.

Submission:

PreventionGenetics, part of Exact Sciences
Classification: Likely benign for PCSK1-related condition. Last evaluated: 2024-02-23. Review status: no assertion criteria provided. Collection method: clinical testing. Allele origin: germline.
Comment: This variant is classified as likely benign based on ACMG/AMP sequence variant interpretation guidelines (Richards et al. 2015 PMID: 25741868, with internal and published modifications).